The following is an entry in ClinVar:

ClinVar aggregate classification (germline): Likely benign (1 of 4 stars; one submission).

Allele frequency attached by ClinVar (database versions not stated): TOPMed 0.00010; gnomAD 0.00015; ESP Exome Variant Server 0.00016; ExAC 0.00018.
gnomAD v4.1: 172 of 1,614,134 alleles (0.011%); highest among the groups gnomAD compares: East Asian, 0.0022%; no homozygotes.

Submission:

CeGaT Center for Human Genetics Tuebingen
Classification: Likely benign. Last evaluated: 2023-11-01. Review status: criteria provided, single submitter. Criteria: CeGaT Center For Human Genetics Tuebingen Variant Classification Criteria Version 2. Collection method: clinical testing. Allele origin: germline. Affected: yes. Observed: 1 variant allele.
Comment: MGLL: BP4

NM_007283.7(MGLL):c.412G>A (p.Ala138Thr)

Gene: MGLL (monoglyceride lipase; minus strand). Cytogenetic location: 3q21.3.
Variant type: single nucleotide variant.
Coding change: c.412G>A on transcript NM_007283.7 (MANE Select); coding-DNA position 412, G replaced by A.
Protein change: p.Ala138Thr; replaces alanine 138 with threonine.
Molecular consequence: missense variant.
Genome position (GRCh38, 1-based): chr3:127,721,151, C>T on the plus strand (G>A on the coding strand, the complement: MGLL is on the minus strand). VCF-style: chr3-127721151-C-T. GRCh37 (hg19) VCF-style: chr3-127439994-C-T.
Other names: c.382G>A, p.Ala128Thr (NM_001003794.3, NM_001388313.1, NM_001388314.1 and 1 more transcripts); c.412G>A, p.Ala138Thr (NM_001256585.2, NM_001388312.1); c.304G>A, p.Ala102Thr (NM_001388315.1, NM_001388317.1, NM_001388318.1); short protein forms A102T, A128T, A138T.
Identifiers: ClinVar variation 2672954 (VCV002672954.23), dbSNP rs201835629, ClinGen allele CA2597618.
Genomic context (GRCh38, chr3:127,721,151, plus strand): 5'-GAGGCGAAATGAGTACCATGCCGGCGAAGTGGCCCGGCCTCTCTGCGGCCGTGAGGATGG[C>T]GATGGCGCCTCCCTGTAATGCAGAATGGGCAGAGCTGCTGTGTTCGGCTTGCACCAGTGC-3'
Protein context (NP_009214.1, residues 128-148): LLGHSMGGAI[Ala138Thr]ILTAAERPGH